The following is an entry in ClinVar:

NM_022773.4(LMF1):c.88C>T (p.Pro30Ser)

Genes: LMF1 (lipase maturation factor 1; minus strand), LOC130058141 (ATAC-STARR-seq lymphoblastoid silent region 6962; plus strand). Cytogenetic location: 16p13.3.
Variant type: single nucleotide variant.
Coding change: c.88C>T on transcript NM_022773.4 (MANE Select); coding-DNA position 88, C replaced by T.
Protein change: p.Pro30Ser; replaces proline 30 with serine.
Molecular consequence: missense variant. On other transcripts: 5 prime UTR variant (1), non-coding transcript variant (1), intron variant (3).
Genome position (GRCh38, 1-based): chr16:970,893, G>A on the plus strand (C>T on the coding strand, the complement: LMF1 is on the minus strand). VCF-style: chr16-970893-G-A. GRCh37 (hg19) VCF-style: chr16-1020893-G-A.
Other names: c.88C>T, p.Pro30Ser (NM_001352020.1); c.-618C>T (NM_001352021.2); c.-135+10252C>T (NM_001352019.2); c.-611+10252C>T (NM_001352017.2); c.-362+10252C>T (NM_001352018.2); short protein forms P30S.
Identifiers: ClinVar variation 2566286 (VCV002566286.3), dbSNP rs2548412067, ClinGen allele CA394111430.

ClinVar aggregate classification (germline): Conflicting classifications of pathogenicity. Review status: criteria provided, conflicting classifications (1 of 4 stars). 2 submissions from 2 submitters: Uncertain significance (1); Likely benign (1). Last evaluated 2023-03-27.

Conditions:
Cardiovascular phenotype. Identifiers: MedGen CN230736.

gnomAD v4.1: 2 of 1,577,342 alleles (0.00013%); highest among the groups gnomAD compares: Non-Finnish European, 0.00017%; no homozygotes.

Submissions (2):

Ambry Genetics
Classification: Uncertain significance for Cardiovascular phenotype. Last evaluated: 2023-03-27. Review status: criteria provided, single submitter. Criteria: Ambry Variant Classification Scheme 2023. Collection method: clinical testing. Allele origin: germline.
Comment: The p.P30S variant (also known as c.88C>T), located in coding exon 1 of the LMF1 gene, results from a C to T substitution at nucleotide position 88. The proline at codon 30 is replaced by serine, an amino acid with similar properties. This amino acid position is conserved. In addition, this alteration is predicted to be tolerated by in silico analysis. Since supporting evidence is limited at this time, the clinical significance of this alteration remains unclear.

Blueprint Genetics
Classification: Likely benign. Last evaluated: 2022-08-08. Review status: criteria provided, single submitter. Criteria: ACMG Guidelines, 2015. Collection method: clinical testing. Allele origin: germline.